The following is an entry in ClinVar:

NM_020831.6(MRTFA):c.1786A>T (p.Ile596Phe)

Gene: MRTFA (myocardin related transcription factor A; minus strand). Cytogenetic location: 22q13.1.
Variant type: single nucleotide variant.
Coding change: c.1786A>T on transcript NM_020831.6 (MANE Select); coding-DNA position 1786, A replaced by T.
Protein change: p.Ile596Phe; replaces isoleucine 596 with phenylalanine.
Molecular consequence: missense variant.
Genome position (GRCh38, 1-based): chr22:40,418,952, T>A on the plus strand (A>T on the coding strand, the complement: MRTFA is on the minus strand). VCF-style: chr22-40418952-T-A. GRCh37 (hg19) VCF-style: chr22-40814956-T-A.
Other names: c.1591A>T, p.Ile531Phe (NM_001318139.2); c.1486A>T, p.Ile496Phe (NM_001282660.2); c.1636A>T, p.Ile546Phe (NM_001282661.3); c.1786A>T, p.Ile596Phe (NM_001282662.3); short protein forms I496F, I531F, I546F, I596F.
Identifiers: ClinVar variation 1683040 (VCV001683040.6), dbSNP rs2147068277, ClinGen allele CA411660462.

ClinVar aggregate classification (germline): Uncertain significance (1 of 4 stars; one submission).

Allele frequency attached by ClinVar (database versions not stated): gnomAD exomes below 0.00001.
gnomAD v4.1: 1 of 1,612,828 alleles (0.000062%); highest among the groups gnomAD compares: Non-Finnish European, 0.000085%; no homozygotes.

Submission:

Labcorp Genetics (formerly Invitae), Labcorp
Classification: Uncertain significance. Last evaluated: 2022-02-09. Review status: criteria provided, single submitter. Criteria: Invitae Variant Classification Sherloc (09022015). Collection method: clinical testing. Allele origin: germline.
Comment: In summary, the available evidence is currently insufficient to determine the role of this variant in disease. Therefore, it has been classified as a Variant of Uncertain Significance. Algorithms developed to predict the effect of missense changes on protein structure and function (SIFT, PolyPhen-2, Align-GVGD) all suggest that this variant is likely to be tolerated. This variant has not been reported in the literature in individuals affected with MKL1-related conditions. This variant is not present in population databases (gnomAD no frequency). This sequence change replaces isoleucine, which is neutral and non-polar, with phenylalanine, which is neutral and non-polar, at codon 496 of the MKL1 protein (p.Ile496Phe).